The following is an entry in ClinVar:

NM_001267550.2(TTN):c.104922A>C (p.Lys34974Asn)

Genes: TTN (titin; minus strand), TTN-AS1 (TTN antisense RNA 1; plus strand). Cytogenetic location: 2q31.2.
Variant type: single nucleotide variant.
Coding change: c.104922A>C on transcript NM_001267550.2 (MANE Select); coding-DNA position 104922, A replaced by C.
Protein change: p.Lys34974Asn; replaces lysine 34974 with asparagine.
Molecular consequence: missense variant.
Genome position (GRCh38, 1-based): chr2:178,531,693, T>G on the plus strand (A>C on the coding strand, the complement: TTN is on the minus strand). VCF-style: chr2-178531693-T-G. GRCh37 (hg19) VCF-style: chr2-179396420-T-G.
Other names: c.99999A>C, p.Lys33333Asn (NM_001256850.1); c.77727A>C, p.Lys25909Asn (NM_003319.4); c.97218A>C, p.Lys32406Asn (NM_133378.4); c.78102A>C, p.Lys26034Asn (NM_133432.3); c.78303A>C, p.Lys26101Asn (NM_133437.4); short protein forms K32406N, K33333N, K25909N, K26034N, K26101N, K34974N.
Identifiers: ClinVar variation 2933240 (VCV002933240.3), dbSNP rs1435214283, ClinGen allele CA349409881.

ClinVar aggregate classification (germline): Uncertain significance (1 of 4 stars; one submission).

Conditions:
Autosomal recessive limb-girdle muscular dystrophy type 2J (LGMDR10). Also called: Limb-girdle muscular dystrophy, type 2J; MUSCULAR DYSTROPHY, LIMB-GIRDLE, AUTOSOMAL RECESSIVE 10. Identifiers: Orphanet 140922, MedGen C1837342, MONDO:0012127, OMIM 608807.
Dilated cardiomyopathy 1G (CMD1G). Identifiers: Orphanet 154, MedGen C1858763, MONDO:0011400, OMIM 604145.

Submission:

Labcorp Genetics (formerly Invitae), Labcorp
Classification: Uncertain significance for Dilated cardiomyopathy 1G; Autosomal recessive limb-girdle muscular dystrophy type 2J. Last evaluated: 2024-11-04. Review status: criteria provided, single submitter. Criteria: Invitae Variant Classification Sherloc (09022015). Collection method: clinical testing. Allele origin: germline.
Comment: This sequence change replaces lysine, which is basic and polar, with asparagine, which is neutral and polar, at codon 34974 of the TTN protein (p.Lys34974Asn). This variant is not present in population databases (gnomAD no frequency). This variant has not been reported in the literature in individuals affected with TTN-related conditions. ClinVar contains an entry for this variant (Variation ID: 2933240). Experimental studies and prediction algorithms are not available or were not evaluated, and the functional significance of this variant is currently unknown. This variant is located in the M band of TTN (PMID: 25589632). Non-truncating variants in this region may be relevant for neuromuscular disorders, but have not been definitively shown to cause cardiomyopathy (PMID: 23975875). In summary, the available evidence is currently insufficient to determine the role of this variant in disease. Therefore, it has been classified as a Variant of Uncertain Significance.

Literature cited by the submitters: PubMed 25589632; PubMed 23975875.